The following is an entry in ClinVar:

ClinVar aggregate classification (germline): Uncertain significance (1 of 4 stars; one submission).

Allele frequency attached by ClinVar (database versions not stated): TOPMed 0.00001; ESP Exome Variant Server 0.00015.

Submission:

Labcorp Genetics (formerly Invitae), Labcorp
Classification: Uncertain significance. Last evaluated: 2022-03-23. Review status: criteria provided, single submitter. Criteria: Invitae Variant Classification Sherloc (09022015). Collection method: clinical testing. Allele origin: germline.
Comment: In summary, the available evidence is currently insufficient to determine the role of this variant in disease. Therefore, it has been classified as a Variant of Uncertain Significance. Algorithms developed to predict the effect of missense changes on protein structure and function (SIFT, PolyPhen-2, Align-GVGD) all suggest that this variant is likely to be tolerated. This variant has not been reported in the literature in individuals affected with GUF1-related conditions. This variant is not present in population databases (gnomAD no frequency). This sequence change replaces serine, which is neutral and polar, with arginine, which is basic and polar, at codon 50 of the GUF1 protein (p.Ser50Arg).

NM_021927.3(GUF1):c.150C>A (p.Ser50Arg)

Gene: GUF1 (GTP binding elongation factor GUF1; plus strand). Cytogenetic location: 4p12.
Variant type: single nucleotide variant.
Coding change: c.150C>A on transcript NM_021927.3 (MANE Select); coding-DNA position 150, C replaced by A.
Protein change: p.Ser50Arg; replaces serine 50 with arginine.
Molecular consequence: missense variant. On other transcripts: 5 prime UTR variant (2).
Genome position (GRCh38, 1-based): chr4:44,678,772, C>A. VCF-style: chr4-44678772-C-A. GRCh37 (hg19) VCF-style: chr4-44680789-C-A.
Other names: c.-819C>A (NM_001345867.2); c.150C>A, p.Ser50Arg (NM_001345868.2); c.-711C>A (NM_001345869.2); short protein forms S50R.
Identifiers: ClinVar variation 2115820 (VCV002115820.4), dbSNP rs140189615, ClinGen allele CA96514318.